The following is an entry in ClinVar:

ClinVar aggregate classification (germline): Likely benign (1 of 4 stars; one submission).

Conditions:
TRDN-related disorder. Also called: TRDN-related condition.

gnomAD v4.1: 59 of 1,548,802 alleles (0.0038%); highest among the groups gnomAD compares: African/African-American, 0.074%; 1 homozygote.

Submission:

PreventionGenetics, part of Exact Sciences
Classification: Likely benign for TRDN-related condition. Last evaluated: 2026-09-04. Review status: criteria provided, single submitter. Criteria: ACMG Guidelines, 2015. Collection method: clinical testing. Allele origin: germline.
Comment: This variant is classified as likely benign based on ACMG/AMP sequence variant interpretation guidelines (Richards et al. 2015 PMID: 25741868, with internal and published modifications).

NM_006073.4(TRDN):c.484+1185T>C

Gene: TRDN (triadin; minus strand). Cytogenetic location: 6q22.31.
Variant type: single nucleotide variant.
Coding change: c.484+1185T>C on transcript NM_006073.4 (MANE Select); 1185 bases into the intron after coding-DNA position 484, T replaced by C.
Molecular consequence: intron variant.
Genome position (GRCh38, 1-based): chr6:123,529,321, A>G on the plus strand (T>C on the coding strand, the complement: TRDN is on the minus strand). VCF-style: chr6-123529321-A-G. GRCh37 (hg19) VCF-style: chr6-123850466-A-G.
Other names: c.484+1185T>C (NM_001407315.1, NM_001251987.2, NM_001256020.2 and 1 more transcripts); c.485-28T>C (NM_001256022.2).
Identifiers: ClinVar variation 4979492 (VCV004979492.1).
Genomic context (GRCh38, chr6:123,529,321, plus strand): 5'-AGTCAATCCGTACTCAAGAGCTGTGTCCAACTTCTGTGATCAAAGGAATTAAGAACCGAA[A>G]AAAGGAAAGAGAACAGTAAGGAGACATTAGTTTCCTAAGTACAAATATAAATAGGTTTCA-3'